The following is an entry in ClinVar:

NM_002618.4(PEX13):c.*1652G>A

Gene: PEX13 (peroxisomal biogenesis factor 13; plus strand). Cytogenetic location: 2p15.
Variant type: single nucleotide variant.
Coding change: c.*1652G>A on transcript NM_002618.4 (MANE Select); 1652 bases downstream of the stop codon, G replaced by A.
Molecular consequence: 3 prime UTR variant.
Genome position (GRCh38, 1-based): chr2:61,050,422, G>A. VCF-style: chr2-61050422-G-A. GRCh37 (hg19) VCF-style: chr2-61277557-G-A.
Identifiers: ClinVar variation 336693 (VCV000336693.5), dbSNP rs72877535, ClinGen allele CA10613727.
Genomic context (GRCh38, chr2:61,050,422, plus strand): 5'-CAAGACTCTGTCTCAAAACAAACAAACAAAAAATAATAATACGATAATGCTATTTGACGT[G>A]TTTTTTGGTTTATAATGATTTTAAATGCAGTTAACTTTCAGTACACTGAATATTTCCCCA-3'

ClinVar aggregate classification (germline): Benign (1 of 4 stars; one submission).

Conditions:
Peroxisome biogenesis disorder 11A (Zellweger). Also called: Peroxisome biogenesis disorder 11A. Identifiers: Orphanet 912, MedGen C3554000, MONDO:0013949, OMIM 614883.

Allele frequency attached by ClinVar (database versions not stated): gnomAD 0.01044 and 0.01126; TOPMed 0.01172; 1000 Genomes Project 0.01278; 1000 Genomes Project 30x 0.01390.

Submission:

Illumina Laboratory Services, Illumina
Classification: Benign for Peroxisome biogenesis disorder 11A (Zellweger). Last evaluated: 2018-01-13. Review status: criteria provided, single submitter. Criteria: ICSL Variant Classification Criteria 13 December 2019. Collection method: clinical testing. Allele origin: germline.
Comment: This variant was observed in the ICSL laboratory as part of a predisposition screen in an ostensibly healthy population. It had not been previously curated by ICSL or reported in the Human Gene Mutation Database (HGMD: prior to June 1st, 2018), and was therefore a candidate for classification through an automated scoring system. Utilizing variant allele frequency, disease prevalence and penetrance estimates, and inheritance mode, an automated score was calculated to assess if this variant is too frequent to cause the disease. Based on the score and internal cut-off values, a variant classified as benign is not then subjected to further curation. The score for this variant resulted in a classification of benign for this disease.